The following is an entry in ClinVar:

ClinVar aggregate classification (germline): Conflicting classifications of pathogenicity. Review status: criteria provided, conflicting classifications (1 of 4 stars). 8 submissions from 8 submitters: Uncertain significance (1); Benign (1); Likely benign (5). 1 of the submissions does not count toward it. Last evaluated 2026-01-13.

Conditions:
MUTYH-related disorder. Also called: MUTYH-related condition; MUTYH-related disorders.
Hereditary cancer-predisposing syndrome. Also called: Neoplastic Syndromes, Hereditary; Hereditary neoplastic syndrome; Hereditary Cancer Syndrome; Tumor predisposition. Identifiers: Orphanet 140162, MedGen C0027672, MeSH D009386, MONDO:0015356.
Familial adenomatous polyposis 2. Also called: MUTYH-related attenuated familial adenomatous polyposis; FAP type 2; MUTYH-associated polyposis; MUTYH Polyposis; Adenomas, multiple colorectal; COLORECTAL ADENOMATOUS POLYPOSIS, AUTOSOMAL RECESSIVE. Identifiers: Orphanet 220460, Orphanet 247798, MedGen C3272841, MONDO:0012041, OMIM 608456.

Allele frequency attached by ClinVar (database versions not stated): gnomAD exomes 0.00002; ExAC 0.00003; gnomAD 0.00005; ESP Exome Variant Server 0.00008; TOPMed 0.00008; 1000 Genomes Project 0.00020; 1000 Genomes Project 30x 0.00031.
gnomAD v4.1: 30 of 1,614,154 alleles (0.0019%); highest among the groups gnomAD compares: African/African-American, 0.036%; no homozygotes.

Submissions (8):

Labcorp Genetics (formerly Invitae), Labcorp
Classification: Likely benign for Familial adenomatous polyposis 2. Last evaluated: 2026-01-13. Review status: criteria provided, single submitter. Criteria: Invitae Variant Classification Sherloc (09022015). Collection method: clinical testing. Allele origin: germline.

All of Us Research Program, National Institutes of Health
Classification: Likely benign for Familial adenomatous polyposis 2. Last evaluated: 2023-11-28. Review status: criteria provided, single submitter. Criteria: ACMG Guidelines, 2015. Collection method: clinical testing. Allele origin: germline. Inheritance: Autosomal recessive inheritance. Observed: 7 variant alleles, 7 heterozygotes.
Comment: This study involves interpretation of variants in research participants for the purpose of population health screening. Participant phenotype was not available at the time of variant classification. Additional details can be found in publication PMID: 35346344, PMCID: PMC8962531

Quest Diagnostics Nichols Institute San Juan Capistrano
Classification: Likely benign. Last evaluated: 2020-12-24. Review status: criteria provided, single submitter. Criteria: Quest Diagnostics criteria. Collection method: clinical testing. Allele origin: unknown.

Eurofins Ntd Llc (ga)
Classification: Uncertain significance. Last evaluated: 2018-02-25. Review status: criteria provided, single submitter. Criteria: EGL ClinVar v180209 classification definitions. Collection method: clinical testing. Allele origin: germline. Observed: 1 variant allele, 1 heterozygote.

Color Diagnostics, LLC DBA Color Health
Classification: Likely benign for Hereditary cancer-predisposing syndrome. Last evaluated: 2016-05-03. Review status: criteria provided, single submitter. Criteria: ACMG Guidelines, 2015. Collection method: clinical testing. Allele origin: germline.

GeneDx
Classification: Benign. Last evaluated: 2015-03-03. Review status: criteria provided, single submitter. Criteria: GeneDx Variant Classification Process June 2021. Collection method: clinical testing. Allele origin: germline. Affected: yes.

Ambry Genetics
Classification: Likely benign for Hereditary cancer-predisposing syndrome. Last evaluated: 2015-02-25. Review status: criteria provided, single submitter. Criteria: Ambry Variant Classification Scheme 2023. Collection method: clinical testing. Allele origin: germline.

PreventionGenetics, part of Exact Sciences
Classification: Likely benign for MUTYH-related condition. Last evaluated: 2019-11-15. Review status: no assertion criteria provided. Collection method: clinical testing. Allele origin: germline. Not counted in ClinVar's aggregate classification.
Comment: This variant is classified as likely benign based on ACMG/AMP sequence variant interpretation guidelines (Richards et al. 2015 PMID: 25741868, with internal and published modifications).

NM_001048174.2(MUTYH):c.99G>A (p.Lys33=)

Gene: MUTYH (mutY DNA glycosylase; minus strand). Cytogenetic location: 1p34.1.
Variant type: single nucleotide variant.
Coding change: c.99G>A on transcript NM_001048174.2 (MANE Select); coding-DNA position 99, G replaced by A.
Protein change: p.Lys33=; no amino-acid change (lysine 33 retained).
Molecular consequence: synonymous variant. On other transcripts: 5 prime UTR variant (4), non-coding transcript variant (2).
Genome position (GRCh38, 1-based): chr1:45,334,407, C>T on the plus strand (G>A on the coding strand, the complement: MUTYH is on the minus strand). VCF-style: chr1-45334407-C-T. GRCh37 (hg19) VCF-style: chr1-45800079-C-T.
Other names: c.99G>A, p.Lys33= (NM_001048171.2, NM_001048172.2, NM_001048173.2 and 2 more transcripts); c.141G>A, p.Lys47= (NM_001128425.2, NM_001293190.2, NM_012222.3); c.-114G>A (NM_001293192.2, NM_001293196.2); c.-173G>A (NM_001350650.2); c.-109G>A (NM_001350651.2).
Identifiers: ClinVar variation 230617 (VCV000230617.28), dbSNP rs375084663, ClinGen allele CA826419.